The following is an entry in ClinVar:

ClinVar aggregate classification (germline): Benign. Review status: reviewed by expert panel (3 of 4 stars). 20 submissions from 18 submitters: Benign (1). 19 of the submissions do not count toward it. Last evaluated 2017-04-03.

Conditions:
PTPN11-related disorder. Also called: PTPN11-Related Disorders.
Noonan syndrome and Noonan-related syndrome. Identifiers: Orphanet 98733, MedGen C5681679, MONDO:0020297.
Cardiovascular phenotype. Identifiers: MedGen CN230736.
RASopathy. Also called: rasopathies; Noonan spectrum disorder. Identifiers: Orphanet 536391, MedGen C5555857, MONDO:0021060.
Noonan syndrome (NS). Also called: Noonan's syndrome. Identifiers: Orphanet 648, MedGen C0028326, MeSH D009634, MONDO:0018997. Disease mechanism: gain of function.
Metachondromatosis (METCDS). Identifiers: Orphanet 2499, MedGen C0410530, MONDO:0007979, OMIM 156250.
LEOPARD syndrome 1 (LPRD1). Also called: LENTIGINOSIS, CARDIOMYOPATHIC; MULTIPLE LENTIGINES SYNDROME; PTPN11-Related LEOPARD Syndrome. Identifiers: Orphanet 500, MedGen C4551484, MONDO:0100082, OMIM 151100.
Noonan syndrome 1 (NS1). Also called: FEMALE PSEUDO-TURNER SYNDROME; TURNER PHENOTYPE WITH NORMAL KARYOTYPE; PTPN11-Related Noonan Syndrome. Identifiers: Orphanet 648, MedGen C4551602, MONDO:0008104, OMIM 163950. Disease mechanism: gain of function.

Allele frequency attached by ClinVar (database versions not stated): gnomAD exomes 0.00020 and 0.00050; ESP Exome Variant Server 0.00023; gnomAD 0.00023 and 0.00026; TOPMed 0.00026; ExAC 0.00041.
gnomAD v4.1: 346 of 1,611,852 alleles (0.021%); highest among the groups gnomAD compares: Admixed American, 0.017%; 1 homozygote.

Submissions (20):

ClinGen RASopathy Variant Curation Expert Panel
Classification: Benign for Noonan syndrome and Noonan-related syndrome. Last evaluated: 2017-04-03. Review status: reviewed by expert panel. Criteria: ClinGen RASopathy ACMG Specifications v1. Collection method: curation. Allele origin: germline. Inheritance: Autosomal dominant inheritance.
Comment: The filtering allele frequency of the c.925A>G (p.Ile309Val) variant in the PTPN11 gene is 0.04% for European (Non-Finnish) chromosomes by the Exome Aggregation Consortium (46/66736 with 95% CI), which is a high enough frequency to be classified as benign based on thresholds defined by the ClinGen RASopathy Expert panel for autosomal dominant RASopathy variants (BA1).

Labcorp Genetics (formerly Invitae), Labcorp
Classification: Likely benign for RASopathy. Last evaluated: 2026-01-27. Review status: criteria provided, single submitter. Criteria: Invitae Variant Classification Sherloc (09022015). Collection method: clinical testing. Allele origin: germline. Not counted in ClinVar's aggregate classification.

CeGaT Center for Human Genetics Tuebingen
Classification: Likely benign. Last evaluated: 2025-12-01. Review status: criteria provided, single submitter. Criteria: CeGaT Center For Human Genetics Tuebingen Variant Classification Criteria Version 2. Collection method: clinical testing. Allele origin: germline. Affected: yes. Observed: 3 variant alleles. Not counted in ClinVar's aggregate classification.
Comment: PTPN11: PP2, BS1

Laboratory of Genetics, Children's Clinical University Hospital Latvia
Classification: Likely benign. Last evaluated: 2025-02-16. Review status: criteria provided, single submitter. Criteria: ACMG Guidelines, 2015. Collection method: clinical testing. Allele origin: germline. Affected: yes. Not counted in ClinVar's aggregate classification.

Blueprint Genetics
Classification: Likely benign. Last evaluated: 2024-11-25. Review status: criteria provided, single submitter. Criteria: ACMG Guidelines, 2015. Collection method: clinical testing. Allele origin: germline. Not counted in ClinVar's aggregate classification.

Ambry Genetics
Classification: Likely benign for Cardiovascular phenotype. Last evaluated: 2024-01-02. Review status: criteria provided, single submitter. Criteria: Ambry Variant Classification Scheme 2023. Collection method: clinical testing. Allele origin: germline. Not counted in ClinVar's aggregate classification.

St. Jude Molecular Pathology, St. Jude Children's Research Hospital
Classification: Benign for Noonan syndrome. Last evaluated: 2020-09-30. Review status: criteria provided, single submitter. Criteria: St. Jude Assertion Criteria 2020. Collection method: clinical testing. Allele origin: germline. Not counted in ClinVar's aggregate classification.
Comment: The c.925A>G missense variant has a frequency of 0.0004596 (130 of 282,830) in gnomAD v2.1.1 with a maximal allele frequency of 0.01003 (104 of 10,370) in the Ashkenazi Jewish subpopulation including one homozygote. This is a high enough frequency to be classified as benign based on thresholds defined by the ClinGen RASopathy Variant Curation Expert Panel (PMID:29493581; SCV000616415.3). Although five of seven in silico algorithms predict a deleterious effect on the gene or gene product (PP3), these predictions have not been confirmed by functional studies. In summary, this variant meets criteria to be classified as benign based on the ACMG/AMP criteria, as specified by the ClinGen RASopathy Variant Curation Expert Panel: BA1.

Genome Diagnostics Laboratory, The Hospital for Sick Children
Classification: Benign for Noonan syndrome and Noonan-related syndrome. Last evaluated: 2020-09-11. Review status: criteria provided, single submitter. Criteria: ACMG Guidelines, 2015. Collection method: clinical testing. Allele origin: germline. Not counted in ClinVar's aggregate classification.

Molecular Diagnostic Laboratory for Inherited Cardiovascular Disease, Montreal Heart Institute
Classification: Likely benign. Last evaluated: 2019-11-12. Review status: criteria provided, single submitter. Criteria: ACMG Guidelines, 2015. Collection method: clinical testing. Allele origin: germline. Affected: yes. Not counted in ClinVar's aggregate classification.

Mendelics
Classification: Benign for Metachondromatosis. Last evaluated: 2019-05-28. Review status: criteria provided, single submitter. Criteria: Mendelics Assertion Criteria 2017. Collection method: clinical testing. Allele origin: unknown. Not counted in ClinVar's aggregate classification.

Mayo Clinic Laboratories, Mayo Clinic
Classification: Benign. Last evaluated: 2019-03-11. Review status: criteria provided, single submitter. Criteria: ACMG Guidelines, 2015. Collection method: clinical testing. Allele origin: germline. Observed: 2 variant alleles. Not counted in ClinVar's aggregate classification.

Genetic Services Laboratory, University of Chicago
Classification: Benign. Last evaluated: 2019-02-22. Review status: criteria provided, single submitter. Criteria: ACMG Guidelines, 2015. Collection method: clinical testing. Allele origin: germline. Affected: no. Not counted in ClinVar's aggregate classification.

Laboratory for Molecular Medicine, Mass General Brigham Personalized Medicine
Classification: Benign. Last evaluated: 2017-10-10. Review status: criteria provided, single submitter. Criteria: LMM Criteria. Collection method: clinical testing. Allele origin: germline. Observed: 5 variant alleles. Not counted in ClinVar's aggregate classification.
Comment: p.Ile309Val in exon 8 of PTPN11: This variant is not expected to have clinical s ignificance because it has been identified in 1% (103/10152) of Ashkenazi Jewish chromosomes, including 1 homozygous individual, by the Genome Aggregation Datab ase (gnomAD; dbSNP rs201787206). Furthermore, the p.Ile307Val variant has been identified in at least 2 unaffected individuals (Tartaglia 2002, LMM data). ACMG/AMP Criteria applied: BA1, BS2 (Richards 2015) .

Illumina Laboratory Services, Illumina
Classification: Benign for Metachondromatosis. Last evaluated: 2017-04-27. Review status: criteria provided, single submitter. Criteria: ICSL Variant Classification Criteria 13 December 2019. Collection method: clinical testing. Allele origin: germline. Not counted in ClinVar's aggregate classification.
Comment: This variant was observed as part of a predisposition screen in an ostensibly healthy population. A literature search was performed for the gene, cDNA change, and amino acid change (where applicable). No publications were found based on this search. Allele frequency data from public databases was too high to be consistent with this variant causing disease. Therefore, this variant is classified as benign.

Illumina Laboratory Services, Illumina
Classification: Benign for LEOPARD syndrome 1. Last evaluated: 2017-04-27. Review status: criteria provided, single submitter. Criteria: ICSL Variant Classification Criteria 13 December 2019. Collection method: clinical testing. Allele origin: germline. Not counted in ClinVar's aggregate classification.
Comment: the same text as in the submission from Illumina Laboratory Services, Illumina above.

Illumina Laboratory Services, Illumina
Classification: Uncertain significance for Noonan syndrome 1. Last evaluated: 2017-04-27. Review status: criteria provided, single submitter. Criteria: ICSL Variant Classification Criteria 13 December 2019. Collection method: clinical testing. Allele origin: germline. Not counted in ClinVar's aggregate classification.
Comment: This variant was observed as part of a predisposition screen in an ostensibly healthy population. A literature search was performed for the gene, cDNA change, and amino acid change (where applicable). Publications were found based on this search. However, the evidence from the literature, in combination with allele frequency data from public databases where available, was not sufficient to rule this variant in or out of causing disease. Therefore, this variant is classified as a variant of unknown significance.

Women's Health and Genetics/Laboratory Corporation of America, LabCorp
Classification: Likely benign. Last evaluated: 2016-08-01. Review status: criteria provided, single submitter. Criteria: LabCorp Variant Classification Summary - May 2015. Collection method: clinical testing. Allele origin: germline. Not counted in ClinVar's aggregate classification.
Comment: Variant summary: The PTPN11 c.925A>G (p.Ile309Val) variant involves the alteration of a conserved nucleotide and affected amino acid (Ile309) is located in the Protein-tyrosine phosphatase(PTP)-like domain. 2/4 in silico tools predict a benign outcome for this variant (SNPs&GO not captured due to low reliability index). This variant was found in 50/121802 control chromosomes (1 homozygote) at a frequency of 0.0004105, which is approximately 7 times the estimated maximal expected allele frequency of a pathogenic PTPN11 variant (0.0000625), suggesting this variant is likely a benign polymorphism. This variant has been reported in NS patients and at least one unaffected parent, suggesting this variant may not be associated with the disease. In addition, one clinical diagnostic laboratory classified this variant as likely benign and provided following description: "this variant has been identified in 3/80 (3.8%) of Ashkenazi-Jewish control chromosomes (Dr. Bruce Gelb, LMM personal communication), suggesting that this variant is a common polymorphism in this population." Taken together, this variant is classified as likely benign.

Eurofins Ntd Llc (ga)
Classification: Likely benign. Last evaluated: 2016-07-27. Review status: criteria provided, single submitter. Criteria: EGL Classification Definitions 2015. Collection method: clinical testing. Allele origin: germline. Observed: 1 variant allele, 1 heterozygote. Not counted in ClinVar's aggregate classification.

GeneDx
Classification: Benign. Last evaluated: 2016-06-06. Review status: criteria provided, single submitter. Criteria: GeneDx Variant Classification (06012015). Collection method: clinical testing. Allele origin: germline. Affected: yes. Not counted in ClinVar's aggregate classification.
Comment: This variant is considered likely benign or benign based on one or more of the following criteria: it is a conservative change, it occurs at a poorly conserved position in the protein, it is predicted to be benign by multiple in silico algorithms, and/or has population frequency not consistent with disease.

PreventionGenetics, part of Exact Sciences
Classification: Benign for PTPN11-related condition. Last evaluated: 2019-09-09. Review status: no assertion criteria provided. Collection method: clinical testing. Allele origin: germline. Not counted in ClinVar's aggregate classification.
Comment: This variant is classified as benign based on ACMG/AMP sequence variant interpretation guidelines (Richards et al. 2015 PMID: 25741868, with internal and published modifications).

Literature cited by the submitters: PubMed 16358218 (cited by 3 submitters); PubMed 11992261 (cited by Laboratory for Molecular Medicine, Mass General Brigham Personalized Medicine and Illumina Laboratory Services, Illumina); PubMed 21407260 (cited by 3 submitters); PubMed 21321969 (cited by Laboratory for Molecular Medicine, Mass General Brigham Personalized Medicine and Illumina Laboratory Services, Illumina); PubMed 24183200 (cited by Illumina Laboratory Services, Illumina); PubMed 23771920 (cited by Illumina Laboratory Services, Illumina); PubMed 22681964 (cited by Illumina Laboratory Services, Illumina); PubMed 12717436 (cited by Women's Health and Genetics/Laboratory Corporation of America, LabCorp); PubMed 25231023 (cited by Women's Health and Genetics/Laboratory Corporation of America, LabCorp); PubMed 16377799 (cited by Women's Health and Genetics/Laboratory Corporation of America, LabCorp).

NM_002834.5(PTPN11):c.925A>G (p.Ile309Val)

Gene: PTPN11 (protein tyrosine phosphatase non-receptor type 11; plus strand). Cytogenetic location: 12q24.13.
Variant type: single nucleotide variant.
Coding change: c.925A>G on transcript NM_002834.5 (MANE Select); coding-DNA position 925, A replaced by G.
Protein change: p.Ile309Val; replaces isoleucine 309 with valine.
Molecular consequence: missense variant.
Genome position (GRCh38, 1-based): chr12:112,477,722, A>G. VCF-style: chr12-112477722-A-G. GRCh37 (hg19) VCF-style: chr12-112915526-A-G.
Other names: p.I309V:ATC>GTC; NM_002834.4(PTPN11):c.925A>G; c.925A>G, p.Ile309Val (NM_001330437.2, NM_080601.3); c.922A>G, p.Ile308Val (NM_001374625.1); short protein forms I309V, I308V.
Identifiers: ClinVar variation 40536 (VCV000040536.64), dbSNP rs201787206, ClinGen allele CA177674.